The following is an entry in ClinVar:

NM_001113378.2(FANCI):c.2062G>T (p.Gly688Ter)

Gene: FANCI (FA complementation group I; plus strand). Cytogenetic location: 15q26.1.
Variant type: single nucleotide variant.
Coding change: c.2062G>T on transcript NM_001113378.2 (MANE Select); coding-DNA position 2062, G replaced by T.
Protein change: p.Gly688Ter; replaces glycine 688 with a stop codon.
Molecular consequence: nonsense.
Genome position (GRCh38, 1-based): chr15:89,292,757, G>T. VCF-style: chr15-89292757-G-T. GRCh37 (hg19) VCF-style: chr15-89835988-G-T.
Other names: c.1783G>T, p.Gly595Ter (NM_001376910.1); c.2062G>T, p.Gly688Ter (NM_001376911.1, NM_018193.3); short protein forms G688*, G595*.
Identifiers: ClinVar variation 2990643 (VCV002990643.3), dbSNP rs1037643863, ClinGen allele CA393749001.

ClinVar aggregate classification (germline): Pathogenic (1 of 4 stars; one submission).

Conditions:
Fanconi anemia (FA). Also called: Fanconi's anemia. Identifiers: Orphanet 84, MedGen C0015625, MeSH D005199, MONDO:0019391.

Submission:

Labcorp Genetics (formerly Invitae), Labcorp
Classification: Pathogenic for Fanconi anemia. Last evaluated: 2023-02-24. Review status: criteria provided, single submitter. Criteria: Invitae Variant Classification Sherloc (09022015). Collection method: clinical testing. Allele origin: germline.
Comment: This sequence change creates a premature translational stop signal (p.Gly688*) in the FANCI gene. It is expected to result in an absent or disrupted protein product. Loss-of-function variants in FANCI are known to be pathogenic (PMID: 17452773, 17460694). This variant is not present in population databases (gnomAD no frequency). This variant has not been reported in the literature in individuals affected with FANCI-related conditions. For these reasons, this variant has been classified as Pathogenic.

Literature cited by the submitters: PubMed 17452773; PubMed 17460694.